The following is an entry in ClinVar:

NM_001127222.2(CACNA1A):c.6397del (p.Arg2133fs)

Gene: CACNA1A (calcium voltage-gated channel subunit alpha1 A; minus strand). Cytogenetic location: 19p13.13.
Variant type: Deletion.
Coding change: c.6397del on transcript NM_001127222.2 (MANE Select); coding-DNA position 6397, one base deleted (C; older notation c.6397delC).
Protein change: p.Arg2133fs; shifts the reading frame from arginine 2133.
Molecular consequence: frameshift variant.
Genome position (GRCh38, 1-based): chr19:13,209,441, G deleted on the plus strand (C on the coding strand, the reverse complement: CACNA1A is on the minus strand); the first of 3 consecutive G bases (chr19:13,209,441-13,209,443); deleting any one gives the same sequence. VCF-style (leftmost placement, unchanged base first): chr19-13209440-CG-C. GRCh37 (hg19) VCF-style: chr19-13320254-CG-C.
Other names: c.6415del, p.Arg2139fs (NM_000068.4, NM_023035.3); c.6400del, p.Arg2134fs (NM_001127221.2); c.6406del, p.Arg2136fs (NM_001174080.2); short protein forms R2134fs, R2136fs, R2139fs, R2133fs.
Identifiers: ClinVar variation 2945103 (VCV002945103.3), dbSNP rs2512520749, ClinGen allele CA2582810003.

ClinVar aggregate classification (germline): Pathogenic (1 of 4 stars; one submission).

Conditions:
Episodic ataxia type 2 (EA2). Also called: CEREBELLAR ATAXIA, PAROXYSMAL, ACETAZOLAMIDE-RESPONSIVE; CEREBELLOPATHY, HEREDITARY PAROXYSMAL; EPISODIC ATAXIA, NYSTAGMUS-ASSOCIATED; ACETAZOLAMIDE-RESPONSIVE HEREDITARY PAROXYSMAL CEREBELLAR ATAXIA; ATAXIA, EPISODIC, WITH NYSTAGMUS; ATAXIA, FAMILIAL PAROXYSMAL. Identifiers: Orphanet 97, MedGen C1720416, MONDO:0007163, OMIM 108500.
Developmental and epileptic encephalopathy, 42 (DEE42A). Also called: Epileptic encephalopathy, early infantile, 42; DEVELOPMENTAL AND EPILEPTIC ENCEPHALOPATHY 42A; EPILEPTIC ENCEPHALOPATHY, EARLY INFANTILE, 42A. Identifiers: MedGen C4310716, MONDO:0014917, OMIM 617106.

Submission:

Labcorp Genetics (formerly Invitae), Labcorp
Classification: Pathogenic for Developmental and epileptic encephalopathy, 42; Episodic ataxia type 2. Last evaluated: 2023-03-08. Review status: criteria provided, single submitter. Criteria: Invitae Variant Classification Sherloc (09022015). Collection method: clinical testing. Allele origin: germline.
Comment: This sequence change creates a premature translational stop signal (p.Arg2134Aspfs*49) in the CACNA1A gene. It is expected to result in an absent or disrupted protein product. Loss-of-function variants in CACNA1A are known to be pathogenic (PMID: 10371528, 19486177, 25735478, 27250579). This variant is not present in population databases (gnomAD no frequency). This variant has not been reported in the literature in individuals affected with CACNA1A-related conditions. For these reasons, this variant has been classified as Pathogenic.

Literature cited by the submitters: PubMed 10371528; PubMed 19486177; PubMed 25735478; PubMed 27250579.